The following is an entry in ClinVar:

NM_017780.4(CHD7):c.6166T>C (p.Tyr2056His)

Gene: CHD7 (chromodomain helicase DNA binding protein 7; plus strand). Cytogenetic location: 8q12.2.
Variant type: single nucleotide variant.
Coding change: c.6166T>C on transcript NM_017780.4 (MANE Select); coding-DNA position 6166, T replaced by C.
Protein change: p.Tyr2056His; replaces tyrosine 2056 with histidine.
Molecular consequence: missense variant. On other transcripts: intron variant (1).
Genome position (GRCh38, 1-based): chr8:60,852,891, T>C. VCF-style: chr8-60852891-T-C. GRCh37 (hg19) VCF-style: chr8-61765450-T-C.
Other names: c.1717-9338T>C (NM_001316690.1); short protein forms Y2056H.
Identifiers: ClinVar variation 2573862 (VCV002573862.1), dbSNP rs2488039476, ClinGen allele CA371324358.

ClinVar aggregate classification (germline): Uncertain significance (1 of 4 stars; one submission).

Allele frequency attached by ClinVar (database versions not stated): gnomAD exomes below 0.00001.
gnomAD v4.1: 1 of 1,614,010 alleles (0.000062%); highest among the groups gnomAD compares: Non-Finnish European, 0.000085%; no homozygotes.

Submission:

GeneDx
Classification: Uncertain significance. Last evaluated: 2023-01-22. Review status: criteria provided, single submitter. Criteria: GeneDx Variant Classification Process June 2021. Collection method: clinical testing. Allele origin: germline. Affected: yes.
Comment: Not observed at significant frequency in large population cohorts (gnomAD); In silico analysis supports that this missense variant has a deleterious effect on protein structure/function; Has not been previously published as pathogenic or benign to our knowledge